The following is an entry in ClinVar:

ClinVar aggregate classification (germline): Likely benign (1 of 4 stars; one submission).

Submission:

Women's Health and Genetics/Laboratory Corporation of America, LabCorp
Classification: Likely benign. Last evaluated: 2025-12-01. Review status: criteria provided, single submitter. Criteria: LabCorp Variant Classification Summary - May 2015. Collection method: clinical testing. Allele origin: germline.
Comment: Variant summary: TNXB c.12204+15G>C alters a nucleotide located at a position not widely known to affect splicing. Consensus agreement among computation tools predict no significant impact on normal splicing. However, these predictions have yet to be confirmed by functional studies. The variant was absent in 250778 control chromosomes. The available data on variant occurrences in the general population are insufficient to allow any conclusion about variant significance. To our knowledge, no occurrence of c.12204+15G>C in individuals affected with TNXB-related conditions and no experimental evidence demonstrating its impact on protein function have been reported. No submitters have cited clinical-significance assessments for this variant to ClinVar. Based on the evidence outlined above, the variant was classified as likely benign.

NM_001365276.2(TNXB):c.12210+15G>C

Genes: TNXB (tenascin XB; minus strand), LOC106780803 (tenascin XB recombination region; plus strand). Cytogenetic location: 6p21.33.
Variant type: single nucleotide variant.
Coding change: c.12210+15G>C on transcript NM_001365276.2 (MANE Select); 15 bases into the intron after coding-DNA position 12210, G replaced by C.
Molecular consequence: intron variant.
Genome position (GRCh38, 1-based): chr6:32,042,440, C>G on the plus strand (G>C on the coding strand, the complement: TNXB is on the minus strand). VCF-style: chr6-32042440-C-G. GRCh37 (hg19) VCF-style: chr6-32010217-C-G.
Other names: c.12204+15G>C (NM_019105.8); c.12951+15G>C (NM_001428335.1); c.1497+15G>C (NM_032470.4).
Identifiers: ClinVar variation 4688692 (VCV004688692.1).
Genomic context (GRCh38, chr6:32,042,440, plus strand): 5'-GCACCATCAGCCTCTGGCTCCCGGGGCAACAGACCCTGCCCTGCACAGACCCCTGGGCTT[C>G]CCAATGCCACCCACCAGCCAGCCGCCCCCATCAGTCTCCATGTCGCAAAACACGTTCAGG-3'